The following is an entry in ClinVar:

NM_004187.5(KDM5C):c.1931A>T (p.His644Leu)

Gene: KDM5C (lysine demethylase 5C; minus strand). Cytogenetic location: Xp11.22.
Variant type: single nucleotide variant.
Coding change: c.1931A>T on transcript NM_004187.5 (MANE Select); coding-DNA position 1931, A replaced by T.
Protein change: p.His644Leu; replaces histidine 644 with leucine.
Molecular consequence: missense variant. On other transcripts: non-coding transcript variant (3).
Genome position (GRCh38, 1-based): chrX:53,201,680, T>A on the plus strand (A>T on the coding strand, the complement: KDM5C is on the minus strand). VCF-style: chrX-53201680-T-A. GRCh37 (hg19) VCF-style: chrX-53230862-T-A.
Other names: c.1730A>T, p.His577Leu (NM_001146702.2); c.1928A>T, p.His643Leu (NM_001282622.3, NM_001353979.2, NM_001353982.2); c.1931A>T, p.His644Leu (NM_001353978.3, NM_001353981.2, NM_001353984.2); short protein forms H644L, H577L, H643L.
Identifiers: ClinVar variation 5007935 (VCV005007935.1).
Genomic context (GRCh38, chrX:53,201,680, plus strand): 5'-GCCGCCAGGTTCAGGTCTAGCTTCTCTGGGCAGGCAGCCATCTTGCAGATAAGCTCCTCA[T>A]GGGAGAAGACGCAGTATCTCCGGAGCCGGCGGTAGTGCTCAATGCACTGGCGCCCAGCAG-3'
Protein context (NP_004178.2, residues 634-654): RRLRRYCVFS[His644Leu]EELICKMAAC

ClinVar aggregate classification (germline): Uncertain significance (1 of 4 stars; one submission).

Submission:

GeneDx
Classification: Uncertain significance. Last evaluated: 2026-03-02. Review status: criteria provided, single submitter. Criteria: GeneDx Variant Classification Process June 2021. Collection method: clinical testing. Allele origin: germline.
Comment: Not observed at significant frequency in large population cohorts (gnomAD); In silico analysis supports that this missense variant has a deleterious effect on protein structure/function; Has not been previously published as pathogenic or benign to our knowledge